The following is an entry in ClinVar:

NM_000064.4(C3):c.1480-14_1608dup

Gene: C3 (complement C3; minus strand). Cytogenetic location: 19p13.3.
Variant type: Duplication.
Coding change: c.1480-14_1608dup on transcript NM_000064.4 (MANE Select); 14 bases into the intron before coding-DNA position 1480 through coding-DNA position 1608, 143 bases duplicated.
Molecular consequence: splice acceptor variant.
Genome position (GRCh38, 1-based): chr19:6,710,717-6,710,859, 143 bases duplicated. GRCh37 (hg19): chr19:6,710,728-6,710,870.
Identifiers: ClinVar variation 4732856 (VCV004732856.1).

ClinVar aggregate classification (germline): Uncertain significance (1 of 4 stars; one submission).

Submission:

Labcorp Genetics (formerly Invitae), Labcorp
Classification: Uncertain significance. Last evaluated: 2025-12-09. Review status: criteria provided, single submitter. Criteria: Invitae Variant Classification Sherloc (09022015). Collection method: clinical testing. Allele origin: germline.
Comment: This sequence change falls in intron 12 of the C3 gene. It does not directly change the encoded amino acid sequence of the C3 protein. This variant is not present in population databases (gnomAD no frequency). This variant has not been reported in the literature in individuals affected with C3-related conditions. This variant is also known as p.Leu537delinsAlaCysProProArgSer*. Experimental studies and prediction algorithms are not available or were not evaluated, and the functional significance of this variant is currently unknown. In summary, the available evidence is currently insufficient to determine the role of this variant in disease. Therefore, it has been classified as a Variant of Uncertain Significance.